The following is an entry in ClinVar:

ClinVar aggregate classification (germline): Pathogenic (1 of 4 stars; one submission).

Conditions:
Hypertrophic cardiomyopathy 26. Also called: Cardiomyopathy, familial hypertrophic, 26. Identifiers: Orphanet 75249, MedGen C4310749, MONDO:0014883, OMIM 617047.
Myofibrillar myopathy 5. Also called: Filaminopathy (type); FILAMINOPATHY, AUTOSOMAL DOMINANT. Identifiers: Orphanet 171445, MedGen C1836050, MONDO:0012289, OMIM 609524.
Distal myopathy with posterior leg and anterior hand involvement. Also called: WILLIAMS DISTAL MYOPATHY. Identifiers: Orphanet 63273, MedGen C3279722, MONDO:0013550, OMIM 614065.

Submission:

Labcorp Genetics (formerly Invitae), Labcorp
Classification: Pathogenic for Distal myopathy with posterior leg and anterior hand involvement; Myofibrillar myopathy 5; Hypertrophic cardiomyopathy 26. Last evaluated: 2025-02-26. Review status: criteria provided, single submitter. Criteria: Invitae Variant Classification Sherloc (09022015). Collection method: clinical testing. Allele origin: germline.
Comment: This sequence change creates a premature translational stop signal (p.Gly2506Glufs*44) in the FLNC gene. It is expected to result in an absent or disrupted protein product. Loss-of-function variants in FLNC are known to be pathogenic (PMID: 27908349). This variant is not present in population databases (gnomAD no frequency). This variant has not been reported in the literature in individuals affected with FLNC-related conditions. For these reasons, this variant has been classified as Pathogenic.

Literature cited by the submitters: PubMed 27908349.

NM_001458.5(FLNC):c.7498_7516dup (p.Gly2506fs)

Genes: FLNC-AS1 (FLNC antisense RNA 1; minus strand), FLNC (filamin C; plus strand). Cytogenetic location: 7q32.1.
Variant type: Duplication.
Coding change: c.7498_7516dup on transcript NM_001458.5 (MANE Select); coding-DNA positions 7498 to 7516, 19 bases duplicated (AGCCAGGCTGGGGACCCAG).
Protein change: p.Gly2506fs; shifts the reading frame from glycine 2506.
Molecular consequence: frameshift variant.
Genome position (GRCh38, 1-based): chr7:128,856,858-128,856,876, AGCCAGGCTGGGGACCCAG duplicated; duplicating any 19 consecutive bases within chr7:128,856,855-128,856,876 gives the same sequence; the c. name uses the placement nearest the transcript's 3' end. VCF-style (leftmost placement, unchanged base first): chr7-128856854-G-GCAGAGCCAGGCTGGGGACC. GRCh37 (hg19) VCF-style: chr7-128496908-G-GCAGAGCCAGGCTGGGGACC.
Other names: c.7399_7417dup, p.Gly2473fs (NM_001127487.2); short protein forms G2473fs, G2506fs.
Identifiers: ClinVar variation 4812458 (VCV004812458.1).